The following is an entry in ClinVar:

ClinVar aggregate classification (germline): Uncertain significance (1 of 4 stars; one submission).

Conditions:
Symmetrical dyschromatosis of extremities (DSH). Also called: Dyschromatosis symmetrica hereditaria; DYSCHROMATOSIS SYMMETRICA HEREDITARIA 1; RETICULATE ACROPIGMENTATION OF DOHI; SYMMETRIC DYSCHROMATOSIS OF THE EXTREMITIES. Identifiers: Orphanet 41, MedGen C0406775, MONDO:0007483, OMIM 127400.
Aicardi-Goutieres syndrome 6 (AGS6). Identifiers: Orphanet 51, MedGen C3539013, MONDO:0014007, OMIM 615010.

Allele frequency attached by ClinVar (database versions not stated): TOPMed 0.00001; gnomAD 0.00002.
gnomAD v4.1: 21 of 1,614,086 alleles (0.0013%); highest among the groups gnomAD compares: Non-Finnish European, 0.0016%; no homozygotes.

Submission:

Labcorp Genetics (formerly Invitae), Labcorp
Classification: Uncertain significance for Aicardi-Goutieres syndrome 6; Symmetrical dyschromatosis of extremities. Last evaluated: 2025-03-17. Review status: criteria provided, single submitter. Criteria: Invitae Variant Classification Sherloc (09022015). Collection method: clinical testing. Allele origin: germline.
Comment: This sequence change replaces proline, which is neutral and non-polar, with leucine, which is neutral and non-polar, at codon 441 of the ADAR protein (p.Pro441Leu). This variant is not present in population databases (gnomAD no frequency). This variant has not been reported in the literature in individuals affected with ADAR-related conditions. ClinVar contains an entry for this variant (Variation ID: 1924506). Invitae Evidence Modeling of protein sequence and biophysical properties (such as structural, functional, and spatial information, amino acid conservation, physicochemical variation, residue mobility, and thermodynamic stability) indicates that this missense variant is not expected to disrupt ADAR protein function with a negative predictive value of 80%. In summary, the available evidence is currently insufficient to determine the role of this variant in disease. Therefore, it has been classified as a Variant of Uncertain Significance.

NM_001111.5(ADAR):c.1322C>T (p.Pro441Leu)

Gene: ADAR (adenosine deaminase RNA specific; minus strand). Cytogenetic location: 1q21.3.
Variant type: single nucleotide variant.
Coding change: c.1322C>T on transcript NM_001111.5 (MANE Select); coding-DNA position 1322, C replaced by T.
Protein change: p.Pro441Leu; replaces proline 441 with leucine.
Molecular consequence: missense variant.
Genome position (GRCh38, 1-based): chr1:154,601,320, G>A on the plus strand (C>T on the coding strand, the complement: ADAR is on the minus strand). VCF-style: chr1-154601320-G-A. GRCh37 (hg19) VCF-style: chr1-154573796-G-A.
Other names: c.437C>T, p.Pro146Leu (NM_001025107.3, NM_001193495.2, NM_001365046.1 and 3 more transcripts); c.1349C>T, p.Pro450Leu (NM_001365045.1); c.1322C>T, p.Pro441Leu (NM_015840.4, NM_015841.4); short protein forms P450L, P146L, P441L.
Identifiers: ClinVar variation 1924506 (VCV001924506.5), dbSNP rs1697857393, ClinGen allele CA342596863.